The following is an entry in ClinVar:

NM_000516.7(GNAS):c.526C>T (p.Gln176Ter)

Gene: GNAS (GNAS complex locus; plus strand). Cytogenetic location: 20q13.32.
Variant type: single nucleotide variant.
Coding change: c.526C>T on transcript NM_000516.7 (MANE Select); coding-DNA position 526, C replaced by T.
Protein change: p.Gln176Ter; replaces glutamine 176 with a stop codon.
Molecular consequence: nonsense. On other transcripts: 3 prime UTR variant (2).
Genome position (GRCh38, 1-based): chr20:58,905,476, C>T. VCF-style: chr20-58905476-C-T. GRCh37 (hg19) VCF-style: chr20-57480531-C-T.
Other names: c.529C>T, p.Gln177Ter (NM_001077488.5); c.481C>T, p.Gln161Ter (NM_001077489.4); c.*387C>T (NM_001077490.3); c.349C>T, p.Gln117Ter (NM_001309840.2, NM_001309861.2); c.*432C>T (NM_016592.5); c.2455C>T, p.Gln819Ter (NM_080425.4); c.484C>T, p.Gln162Ter (NM_080426.4); short protein forms Q176*, Q177*, Q117*, Q819*, Q162*, Q161*.
Identifiers: ClinVar variation 620119 (VCV000620119.3), dbSNP rs1569020396, ClinGen allele CA409451356.

ClinVar aggregate classification (germline): Pathogenic (1 of 4 stars; one submission).

Submission:

GeneDx
Classification: Pathogenic. Last evaluated: 2019-11-19. Review status: criteria provided, single submitter. Criteria: GeneDx Variant Classification Process June 2021. Collection method: clinical testing. Allele origin: germline. Affected: yes.
Comment: Nonsense variant predicted to result in protein truncation or nonsense mediated decay in a gene for which loss-of-function is a known mechanism of disease; Not observed in large population cohorts (Lek et al., 2016); This variant is associated with the following publications: (PMID: 23884777, 31886927)